The following is an entry in ClinVar:

ClinVar aggregate classification (germline): Benign. Review status: criteria provided, multiple submitters, no conflicts (2 of 4 stars). 15 submissions from 15 submitters: Benign (13). 2 of the submissions do not count toward it. Last evaluated 2026-02-04.

Conditions:
Familial thoracic aortic aneurysm and aortic dissection (TAAD). Also called: Thoracic aortic aneurysms and dissections. Identifiers: Orphanet 91387, MedGen C4707243, MONDO:0019625.
Ehlers-Danlos syndrome, kyphoscoliotic type 1 (EDSKSCL1). Also called: Ehlers-Danlos syndrome, hydroxylysine-deficient; EHLERS-DANLOS SYNDROME, OCULAR-SCOLIOTIC TYPE; PLOD1-Related Kyphoscoliotic Ehlers-Danlos Syndrome; EHLERS-DANLOS SYNDROME, TYPE VIA. Identifiers: Orphanet 1900, MedGen C0268342, MONDO:0016002, OMIM 225400. Disease mechanism: loss of function.

Allele frequency attached by ClinVar (database versions not stated): ESP Exome Variant Server 0.31078; TOPMed 0.31454; gnomAD 0.32745 and 0.33232; gnomAD exomes 0.33620 and 0.36087; 1000 Genomes Project 30x 0.34307; 1000 Genomes Project 0.34844; ExAC 0.36306.
gnomAD v4.1: 541,717 of 1,612,832 alleles (34%); highest among the groups gnomAD compares: South Asian, 45%; 93,783 homozygotes.

Submissions (15):

Labcorp Genetics (formerly Invitae), Labcorp
Classification: Benign for Ehlers-Danlos syndrome, kyphoscoliotic type 1. Last evaluated: 2026-02-04. Review status: criteria provided, single submitter. Criteria: Invitae Variant Classification Sherloc (09022015). Collection method: clinical testing. Allele origin: germline.

Molecular Diagnostic Laboratory for Inherited Cardiovascular Disease, Montreal Heart Institute
Classification: Benign. Last evaluated: 2025-04-09. Review status: criteria provided, single submitter. Criteria: ACMG Guidelines, 2015. Collection method: clinical testing. Allele origin: germline. Affected: no.

Blueprint Genetics
Classification: Benign. Last evaluated: 2024-11-26. Review status: criteria provided, single submitter. Criteria: ACMG Guidelines, 2015. Collection method: clinical testing. Allele origin: germline.

Women's Health and Genetics/Laboratory Corporation of America, LabCorp
Classification: Benign. Last evaluated: 2023-04-04. Review status: criteria provided, single submitter. Criteria: LabCorp Variant Classification Summary - May 2015. Collection method: clinical testing. Allele origin: germline.

Genome-Nilou Lab
Classification: Benign for Ehlers-Danlos syndrome, kyphoscoliotic type 1. Last evaluated: 2021-10-25. Review status: criteria provided, single submitter. Criteria: ACMG Guidelines, 2015. Collection method: clinical testing. Allele origin: germline. Affected: no.

ARUP Laboratories, Molecular Genetics and Genomics, ARUP Laboratories
Classification: Benign for Ehlers-Danlos syndrome, kyphoscoliotic type 1. Last evaluated: 2020-07-30. Review status: criteria provided, single submitter. Criteria: ARUP Molecular Germline Variant Investigation Process. Collection method: clinical testing. Allele origin: germline.

Mayo Clinic Laboratories, Mayo Clinic
Classification: Benign. Last evaluated: 2019-03-13. Review status: criteria provided, single submitter. Criteria: ACMG Guidelines, 2015. Collection method: clinical testing. Allele origin: germline. Observed: 2,636 variant alleles.

Illumina Laboratory Services, Illumina
Classification: Benign for Ehlers-Danlos syndrome, kyphoscoliotic type 1. Last evaluated: 2018-01-12. Review status: criteria provided, single submitter. Criteria: ICSL Variant Classification Criteria 13 December 2019. Collection method: clinical testing. Allele origin: germline.
Comment: This variant was observed in the ICSL laboratory as part of a predisposition screen in an ostensibly healthy population. It had not been previously curated by ICSL or reported in the Human Gene Mutation Database (HGMD: prior to June 1st, 2018), and was therefore a candidate for classification through an automated scoring system. Utilizing variant allele frequency, disease prevalence and penetrance estimates, and inheritance mode, an automated score was calculated to assess if this variant is too frequent to cause the disease. Based on the score and internal cut-off values, a variant classified as benign is not then subjected to further curation. The score for this variant resulted in a classification of benign for this disease.

GeneDx
Classification: Benign. Last evaluated: 2016-09-29. Review status: criteria provided, single submitter. Criteria: GeneDx Variant Classification (06012015). Collection method: clinical testing. Allele origin: germline. Affected: yes.
Comment: This variant is considered likely benign or benign based on one or more of the following criteria: it is a conservative change, it occurs at a poorly conserved position in the protein, it is predicted to be benign by multiple in silico algorithms, and/or has population frequency not consistent with disease.

Eurofins Ntd Llc (ga)
Classification: Benign. Last evaluated: 2016-03-04. Review status: criteria provided, single submitter. Criteria: EGL Classification Definitions 2015. Collection method: clinical testing. Allele origin: germline. Observed: 1 variant allele, 1 homozygote.

Ambry Genetics
Classification: Benign for Familial thoracic aortic aneurysm and aortic dissection. Last evaluated: 2015-01-23. Review status: criteria provided, single submitter. Criteria: Ambry Variant Classification Scheme 2023. Collection method: clinical testing. Allele origin: germline.

Breakthrough Genomics
Classification: Benign. Review status: criteria provided, single submitter. Criteria: ACMG Guidelines, 2015. Collection method: not provided. Allele origin: germline. Inheritance: Autosomal recessive inheritance. Affected: yes.

PreventionGenetics, part of Exact Sciences
Classification: Benign. Review status: criteria provided, single submitter. Criteria: ACMG Guidelines, 2015. Collection method: clinical testing. Allele origin: germline.

Genome Diagnostics Laboratory, Amsterdam University Medical Center
Classification: Benign. Review status: no assertion criteria provided. Collection method: clinical testing. Allele origin: germline. Affected: yes. Study: VKGL Data-share Consensus. Not counted in ClinVar's aggregate classification.

Joint Genome Diagnostic Labs from Nijmegen and Maastricht, Radboudumc and MUMC+
Classification: Benign. Review status: no assertion criteria provided. Collection method: clinical testing. Allele origin: germline. Affected: yes. Study: VKGL Data-share Consensus. Not counted in ClinVar's aggregate classification.

NM_000302.4(PLOD1):c.1206C>T (p.Asn402=)

Gene: PLOD1 (procollagen-lysine,2-oxoglutarate 5-dioxygenase 1; plus strand). Cytogenetic location: 1p36.22.
Variant type: single nucleotide variant.
Coding change: c.1206C>T on transcript NM_000302.4 (MANE Select); coding-DNA position 1206, C replaced by T.
Protein change: p.Asn402=; no amino-acid change (asparagine 402 retained).
Molecular consequence: synonymous variant.
Genome position (GRCh38, 1-based): chr1:11,964,178, C>T. VCF-style: chr1-11964178-C-T. GRCh37 (hg19) VCF-style: chr1-12024235-C-T.
Other names: p.Asn402=; c.1347C>T, p.Asn449= (NM_001316320.2).
Identifiers: ClinVar variation 255799 (VCV000255799.71), dbSNP rs1130529, ClinGen allele CA598328.